The following is an entry in ClinVar:

NM_002317.7(LOX):c.617G>A (p.Gly206Asp)

Genes: LOX (lysyl oxidase; minus strand), SRFBP1 (serum response factor binding protein 1; plus strand). Cytogenetic location: 5q23.1.
Variant type: single nucleotide variant.
Coding change: c.617G>A on transcript NM_002317.7 (MANE Select); coding-DNA position 617, G replaced by A.
Protein change: p.Gly206Asp; replaces glycine 206 with aspartic acid.
Molecular consequence: missense variant.
Genome position (GRCh38, 1-based): chr5:122,077,369, C>T on the plus strand (G>A on the coding strand, the complement: LOX is on the minus strand). VCF-style: chr5-122077369-C-T. GRCh37 (hg19) VCF-style: chr5-121413064-C-T.
Other names: short protein forms G206D.
Identifiers: ClinVar variation 3222077 (VCV003222077.1), dbSNP rs2532916211, ClinGen allele CA360875373.

ClinVar aggregate classification (germline): Uncertain significance (1 of 4 stars; one submission).

Conditions:
Cardiovascular phenotype. Identifiers: MedGen CN230736.

Submission:

Ambry Genetics
Classification: Uncertain significance for Cardiovascular phenotype. Last evaluated: 2023-12-31. Review status: criteria provided, single submitter. Criteria: Ambry Variant Classification Scheme 2023. Collection method: clinical testing. Allele origin: germline.
Comment: The p.G206D variant (also known as c.617G>A), located in coding exon 1 of the LOX gene, results from a G to A substitution at nucleotide position 617. The glycine at codon 206 is replaced by aspartic acid, an amino acid with similar properties. This amino acid position is conserved. In addition, this alteration is predicted to be tolerated by in silico analysis. Since supporting evidence is limited at this time, the clinical significance of this alteration remains unclear.